The following is an entry in ClinVar:

ClinVar aggregate classification (germline): Uncertain significance (1 of 4 stars; one submission).

Conditions:
Developmental and epileptic encephalopathy, 1 (DEE1). Also called: X-linked infantile spasms; West's syndrome; Tonic spasms with clustering, arrest of psychomotor development and hypsarrhythmia on EEG; X-Linked Infantile Spasm Syndrome; OHTAHARA SYNDROME, X-LINKED; INFANTILE SPASM SYNDROME, X-LINKED 1. Identifiers: MedGen C3463992, MONDO:0010632, OMIM 308350. Disease mechanism: loss of function.
Autosomal dominant nonsyndromic hearing loss 65. Also called: TBC1D24-Related Autosomal Dominant Nonsyndromic Hearing Loss (DFNA); Deafness, autosomal dominant 65. Identifiers: Orphanet 90635, MedGen C3892048, MONDO:0014470, OMIM 616044.

Submission:

Labcorp Genetics (formerly Invitae), Labcorp
Classification: Uncertain significance for Developmental and epileptic encephalopathy, 1; Autosomal dominant nonsyndromic hearing loss 65. Last evaluated: 2024-05-22. Review status: criteria provided, single submitter. Criteria: Invitae Variant Classification Sherloc (09022015). Collection method: clinical testing. Allele origin: germline.
Comment: This sequence change replaces arginine, which is basic and polar, with serine, which is neutral and polar, at codon 109 of the TBC1D24 protein (p.Arg109Ser). This variant is not present in population databases (gnomAD no frequency). This variant has not been reported in the literature in individuals affected with TBC1D24-related conditions. ClinVar contains an entry for this variant (Variation ID: 1720329). Advanced modeling of protein sequence and biophysical properties (such as structural, functional, and spatial information, amino acid conservation, physicochemical variation, residue mobility, and thermodynamic stability) performed at Invitae indicates that this missense variant is not expected to disrupt TBC1D24 protein function with a negative predictive value of 80%. In summary, the available evidence is currently insufficient to determine the role of this variant in disease. Therefore, it has been classified as a Variant of Uncertain Significance.

NM_001199107.2(TBC1D24):c.325C>A (p.Arg109Ser)

Gene: TBC1D24 (TBC1 domain family member 24; plus strand). Cytogenetic location: 16p13.3.
Variant type: single nucleotide variant.
Coding change: c.325C>A on transcript NM_001199107.2 (MANE Select); coding-DNA position 325, C replaced by A.
Protein change: p.Arg109Ser; replaces arginine 109 with serine.
Molecular consequence: missense variant.
Genome position (GRCh38, 1-based): chr16:2,496,473, C>A. VCF-style: chr16-2496473-C-A. GRCh37 (hg19) VCF-style: chr16-2546474-C-A.
Other names: c.325C>A, p.Arg109Ser (NM_020705.3); short protein forms R109S.
Identifiers: ClinVar variation 1720329 (VCV001720329.6), dbSNP rs372337277, ClinGen allele CA394375522.